The following is an entry in ClinVar:

NM_007046.4(EMILIN1):c.2557+8C>T

Gene: EMILIN1 (elastin microfibril interfacer 1; plus strand). Cytogenetic location: 2p23.3.
Variant type: single nucleotide variant.
Coding change: c.2557+8C>T on transcript NM_007046.4 (MANE Select); 8 bases into the intron after coding-DNA position 2557, C replaced by T.
Molecular consequence: intron variant.
Genome position (GRCh38, 1-based): chr2:27,084,539, C>T. VCF-style: chr2-27084539-C-T. GRCh37 (hg19) VCF-style: chr2-27307407-C-T.
Identifiers: ClinVar variation 3034911 (VCV003034911.2), dbSNP rs141405321, ClinGen allele CA1568949.

ClinVar aggregate classification (germline): Likely benign (0 of 4 stars; one submission).

Conditions:
EMILIN1-related disorder. Also called: EMILIN1-related condition.

Allele frequency attached by ClinVar (database versions not stated): ExAC 0.00028; ESP Exome Variant Server 0.00085; gnomAD 0.00087; TOPMed 0.00121; 1000 Genomes Project 0.00140; 1000 Genomes Project 30x 0.00172.

Submission:

PreventionGenetics, part of Exact Sciences
Classification: Likely benign for EMILIN1-related condition. Last evaluated: 2019-12-23. Review status: no assertion criteria provided. Collection method: clinical testing. Allele origin: germline.
Comment: This variant is classified as likely benign based on ACMG/AMP sequence variant interpretation guidelines (Richards et al. 2015 PMID: 25741868, with internal and published modifications).